The following is an entry in ClinVar:

NM_001040142.2(SCN2A):c.2637G>C (p.Gly879=)

Gene: SCN2A (sodium voltage-gated channel alpha subunit 2; plus strand). Cytogenetic location: 2q24.3.
Variant type: single nucleotide variant.
Coding change: c.2637G>C on transcript NM_001040142.2 (MANE Select); coding-DNA position 2637, G replaced by C.
Protein change: p.Gly879=; no amino-acid change (glycine 879 retained).
Molecular consequence: synonymous variant.
Genome position (GRCh38, 1-based): chr2:165,344,629, G>C. VCF-style: chr2-165344629-G-C. GRCh37 (hg19) VCF-style: chr2-166201139-G-C.
Other names: c.2637G>C, p.Gly879= (NM_001040143.2, NM_001371246.1, NM_001371247.1 and 1 more transcripts).
Identifiers: ClinVar variation 512162 (VCV000512162.1), dbSNP rs1490972796, ClinGen allele CA429885381.

ClinVar aggregate classification (germline): Likely benign (1 of 4 stars; one submission).

Submission:

GeneDx
Classification: Likely benign. Last evaluated: 2017-09-15. Review status: criteria provided, single submitter. Criteria: GeneDx Variant Classification (06012015). Collection method: clinical testing. Allele origin: germline. Affected: yes.
Comment: This variant is considered likely benign or benign based on one or more of the following criteria: it is a conservative change, it occurs at a poorly conserved position in the protein, it is predicted to be benign by multiple in silico algorithms, and/or has population frequency not consistent with disease.